The following is an entry in ClinVar:

ClinVar aggregate classification (germline): Uncertain significance (1 of 4 stars; one submission).

Submission:

Ambry Genetics
Classification: Uncertain significance. Last evaluated: 2022-06-09. Review status: criteria provided, single submitter. Criteria: Ambry Variant Classification Scheme 2023. Collection method: clinical testing. Allele origin: germline.
Comment: The p.Q1271E variant (also known as c.3811C>G), located in coding exon 7 of the MLH3 gene, results from a C to G substitution at nucleotide position 3811. The glutamine at codon 1271 is replaced by glutamic acid, an amino acid with highly similar properties. This amino acid position is conserved. In addition, the in silico prediction for this alteration is inconclusive. Since supporting evidence is limited at this time, the clinical significance of this alteration remains unclear.

NM_001040108.2(MLH3):c.3811C>G (p.Gln1271Glu)

Gene: MLH3 (mutL homolog 3; minus strand). Cytogenetic location: 14q24.3.
Variant type: single nucleotide variant.
Coding change: c.3811C>G on transcript NM_001040108.2 (MANE Select); coding-DNA position 3811, C replaced by G.
Protein change: p.Gln1271Glu; replaces glutamine 1271 with glutamic acid.
Molecular consequence: missense variant.
Genome position (GRCh38, 1-based): chr14:75,032,084, G>C on the plus strand (C>G on the coding strand, the complement: MLH3 is on the minus strand). VCF-style: chr14-75032084-G-C. GRCh37 (hg19) VCF-style: chr14-75498787-G-C.
Other names: c.3739C>G, p.Gln1247Glu (NM_014381.3); short protein forms Q1271E, Q1247E.
Identifiers: ClinVar variation 1735160 (VCV001735160.2), dbSNP rs2503131360, ClinGen allele CA390424716.